The following is an entry in ClinVar:

NM_033026.6(PCLO):c.11188GAG[1] (p.Glu3731del)

Gene: PCLO (piccolo presynaptic cytomatrix protein; minus strand). Cytogenetic location: 7q21.11.
Variant type: Microsatellite.
Coding change: c.11188GAG[1] on transcript NM_033026.6 (MANE Select); one copy of the 3-base unit GAG starting at c.11188; the reference has two copies in a row; one copy, 3 bases deleted.
Protein change: p.Glu3731del; deletes glutamic acid 3731.
Molecular consequence: inframe deletion.
Genome position (GRCh38, 1-based): chr7:82,916,793-82,916,795, CTC deleted on the plus strand (GAG on the coding strand, the reverse complement: PCLO is on the minus strand); deleting any 3 consecutive bases within chr7:82,916,793-82,916,798 gives the same sequence; the position shown is the placement nearest the transcript's 3' end. VCF-style (leftmost placement, unchanged base first): chr7-82916792-TCTC-T. GRCh37 (hg19) VCF-style: chr7-82546108-TCTC-T.
Other names: c.11188GAG[1], p.Glu3731del (NM_014510.3); short protein forms E3731del.
Identifiers: ClinVar variation 1480411 (VCV001480411.5), dbSNP rs779951758, ClinGen allele CA4319597.

ClinVar aggregate classification (germline): Uncertain significance (1 of 4 stars; one submission).

Submission:

Labcorp Genetics (formerly Invitae), Labcorp
Classification: Uncertain significance. Last evaluated: 2022-08-23. Review status: criteria provided, single submitter. Criteria: Invitae Variant Classification Sherloc (09022015). Collection method: clinical testing. Allele origin: germline.
Comment: This variant, c.11191_11193del, results in the deletion of 1 amino acid(s) of the PCLO protein (p.Glu3731del), but otherwise preserves the integrity of the reading frame. This variant is present in population databases (rs779951758, gnomAD 0.007%). This variant has not been reported in the literature in individuals affected with PCLO-related conditions. Experimental studies and prediction algorithms are not available or were not evaluated, and the functional significance of this variant is currently unknown. In summary, the available evidence is currently insufficient to determine the role of this variant in disease. Therefore, it has been classified as a Variant of Uncertain Significance.